The following is an entry in ClinVar:

NM_000718.4(CACNA1B):c.2744G>T (p.Gly915Val)

Gene: CACNA1B (calcium voltage-gated channel subunit alpha1 B; plus strand). Cytogenetic location: 9q34.3.
Variant type: single nucleotide variant.
Coding change: c.2744G>T on transcript NM_000718.4 (MANE Select); coding-DNA position 2744, G replaced by T.
Protein change: p.Gly915Val; replaces glycine 915 with valine.
Molecular consequence: missense variant.
Genome position (GRCh38, 1-based): chr9:138,023,487, G>T. VCF-style: chr9-138023487-G-T. GRCh37 (hg19) VCF-style: chr9-140917939-G-T.
Other names: c.2744G>T, p.Gly915Val (NM_001243812.2); short protein forms G915V.
Identifiers: ClinVar variation 1715358 (VCV001715358.5), dbSNP rs1167767948, ClinGen allele CA375810044.

ClinVar aggregate classification (germline): Uncertain significance (1 of 4 stars; one submission).

Submission:

Labcorp Genetics (formerly Invitae), Labcorp
Classification: Uncertain significance. Last evaluated: 2022-08-06. Review status: criteria provided, single submitter. Criteria: Invitae Variant Classification Sherloc (09022015). Collection method: clinical testing. Allele origin: germline.
Comment: In summary, the available evidence is currently insufficient to determine the role of this variant in disease. Therefore, it has been classified as a Variant of Uncertain Significance. Advanced modeling of protein sequence and biophysical properties (such as structural, functional, and spatial information, amino acid conservation, physicochemical variation, residue mobility, and thermodynamic stability) performed at Invitae indicates that this missense variant is not expected to disrupt CACNA1B protein function. This variant has not been reported in the literature in individuals affected with CACNA1B-related conditions. The frequency data for this variant in the population databases is considered unreliable, as metrics indicate insufficient coverage at this position in the gnomAD database. This sequence change replaces glycine, which is neutral and non-polar, with valine, which is neutral and non-polar, at codon 915 of the CACNA1B protein (p.Gly915Val).